The following is an entry in ClinVar:

NM_001369.3(DNAH5):c.1198-1G>A

Gene: DNAH5 (dynein axonemal heavy chain 5; minus strand). Cytogenetic location: 5p15.2.
Variant type: single nucleotide variant.
Coding change: c.1198-1G>A on transcript NM_001369.3 (MANE Select); the canonical splice acceptor site of the intron before coding-DNA position 1198, G replaced by A.
Molecular consequence: splice acceptor variant.
Genome position (GRCh38, 1-based): chr5:13,914,643, C>T on the plus strand (G>A on the coding strand, the complement: DNAH5 is on the minus strand). VCF-style: chr5-13914643-C-T. GRCh37 (hg19) VCF-style: chr5-13914752-C-T.
Identifiers: ClinVar variation 2023614 (VCV002023614.4), dbSNP rs2547129868, ClinGen allele CA359215608.

ClinVar aggregate classification (germline): Likely pathogenic (1 of 4 stars; one submission).

Conditions:
Primary ciliary dyskinesia. Also called: Ciliary dyskinesia. Identifiers: Orphanet 244, MedGen C0008780, MONDO:0016575, HP:0012265.

Submission:

Labcorp Genetics (formerly Invitae), Labcorp
Classification: Likely pathogenic for Primary ciliary dyskinesia. Last evaluated: 2022-08-12. Review status: criteria provided, single submitter. Criteria: Invitae Variant Classification Sherloc (09022015). Collection method: clinical testing. Allele origin: germline.
Comment: In summary, the currently available evidence indicates that the variant is pathogenic, but additional data are needed to prove that conclusively. Therefore, this variant has been classified as Likely Pathogenic. Algorithms developed to predict the effect of sequence changes on RNA splicing suggest that this variant may disrupt the consensus splice site. This variant has not been reported in the literature in individuals affected with DNAH5-related conditions. This variant is not present in population databases (gnomAD no frequency). This sequence change affects an acceptor splice site in intron 9 of the DNAH5 gene. It is expected to disrupt RNA splicing. Variants that disrupt the donor or acceptor splice site typically lead to a loss of protein function (PMID: 16199547), and loss-of-function variants in DNAH5 are known to be pathogenic (PMID: 11788826, 16627867).

Literature cited by the submitters: PubMed 16199547; PubMed 11788826; PubMed 16627867.